The following is an entry in ClinVar:

NM_001375524.1(TRRAP):c.8370C>T (p.His2790=)

Gene: TRRAP (transformation/transcription domain associated protein; plus strand). Cytogenetic location: 7q22.1.
Variant type: single nucleotide variant.
Coding change: c.8370C>T on transcript NM_001375524.1 (MANE Select); coding-DNA position 8370, C replaced by T.
Protein change: p.His2790=; no amino-acid change (histidine 2790 retained).
Molecular consequence: synonymous variant.
Genome position (GRCh38, 1-based): chr7:98,977,061, C>T. VCF-style: chr7-98977061-C-T. GRCh37 (hg19) VCF-style: chr7-98574684-C-T.
Other names: c.8295C>T (NM_003496.3); c.8349C>T, p.His2783= (NM_001244580.2); c.8295C>T, p.His2765= (NM_003496.4).
Identifiers: ClinVar variation 1926428 (VCV001926428.6), dbSNP rs56045389, ClinGen allele CA4361411.

ClinVar aggregate classification (germline): Benign/Likely benign. Review status: criteria provided, multiple submitters, no conflicts (2 of 4 stars). 2 submissions from 2 submitters: Benign (1); Likely benign (1). Last evaluated 2025-12-22.

Conditions:
TRRAP-related disorder. Also called: TRRAP-related condition.

Allele frequency attached by ClinVar (database versions not stated): gnomAD 0.00001; TOPMed 0.00002; gnomAD exomes 0.00007; ExAC 0.00008.
gnomAD v4.1: 97 of 1,614,086 alleles (0.006%); highest among the groups gnomAD compares: East Asian, 0.022%; no homozygotes.

Submissions (2):

PreventionGenetics, part of Exact Sciences
Classification: Likely benign for TRRAP-related condition. Last evaluated: 2025-12-22. Review status: criteria provided, single submitter. Criteria: ACMG Guidelines, 2015. Collection method: clinical testing. Allele origin: germline.
Comment: This variant is classified as likely benign based on ACMG/AMP sequence variant interpretation guidelines (Richards et al. 2015 PMID: 25741868, with internal and published modifications).

Labcorp Genetics (formerly Invitae), Labcorp
Classification: Benign. Last evaluated: 2022-04-03. Review status: criteria provided, single submitter. Criteria: Invitae Variant Classification Sherloc (09022015). Collection method: clinical testing. Allele origin: germline.